The following is an entry in ClinVar:

NM_032237.5(POMK):c.965C>T (p.Pro322Leu)

Gene: POMK (protein O-mannose kinase; plus strand). Cytogenetic location: 8p11.21.
Variant type: single nucleotide variant.
Coding change: c.965C>T on transcript NM_032237.5 (MANE Select); coding-DNA position 965, C replaced by T.
Protein change: p.Pro322Leu; replaces proline 322 with leucine.
Molecular consequence: missense variant.
Genome position (GRCh38, 1-based): chr8:43,122,789, C>T. VCF-style: chr8-43122789-C-T. GRCh37 (hg19) VCF-style: chr8-42977932-C-T.
Other names: c.965C>T, p.Pro322Leu (NM_001277971.2); short protein forms P322L.
Identifiers: ClinVar variation 813966 (VCV000813966.1), dbSNP rs747083630, ClinGen allele CA4736382.

ClinVar aggregate classification (germline): Uncertain significance (1 of 4 stars; one submission).

Conditions:
Limb-girdle muscular dystrophy due to POMK deficiency. Also called: MUSCULAR DYSTROPHY-DYSTROGLYCANOPATHY, LIMB-GIRDLE, POMK-RELATED; Muscular dystrophy-dystroglycanopathy (limb-girdle), type c, 12. Identifiers: Orphanet 445110, MedGen C4015184, MONDO:0014489, OMIM 616094.

Allele frequency attached by ClinVar (database versions not stated): gnomAD exomes below 0.00001 and 0.00001; ExAC 0.00001.
gnomAD v4.1: 3 of 1,614,140 alleles (0.00019%); highest among the groups gnomAD compares: Non-Finnish European, 0.00025%; no homozygotes.

Submission:

Broad Center for Mendelian Genomics, Broad Institute of MIT and Harvard
Classification: Uncertain significance for Limb-girdle muscular dystrophy due to POMK deficiency. Last evaluated: 2018-12-03. Review status: criteria provided, single submitter. Criteria: ACMG Guidelines, 2015. Collection method: research. Allele origin: germline. Inheritance: Autosomal recessive inheritance. Affected: yes.
Comment: The heterozygous p.Pro322Leu variant in POMK was identified by our study in the compound heterozygous state, with a VUS, in two siblings with limb-girdle muscular dystrophy (LGMD) (PMID: 29910097). This variant has been identified in 0.0008959% (1/111624) of European (non-Finnish) chromosomes by the Genome Aggregation Database (gnomAD; dbSNP rs747083630). Although this variant has been seen in the general population, its frequency is low enough to be consistent with a recessive carrier frequency. Computational prediction tools and conservation analyses do not provide strong support for or against an impact to the protein. In summary, the clinical significance of the p.Pro322Leu variant is uncertain. ACMG/AMP Criteria applied: PM2, PM3 (Richards 2015).

Literature cited by the submitters: PubMed 29910097.